The following is an entry in ClinVar:

NM_006118.4(HAX1):c.617C>T (p.Ser206Phe)

Gene: HAX1 (HCLS1 associated protein X-1; plus strand). Cytogenetic location: 1q21.3.
Variant type: single nucleotide variant.
Coding change: c.617C>T on transcript NM_006118.4 (MANE Select); coding-DNA position 617, C replaced by T.
Protein change: p.Ser206Phe; replaces serine 206 with phenylalanine.
Molecular consequence: missense variant.
Genome position (GRCh38, 1-based): chr1:154,275,214, C>T. VCF-style: chr1-154275214-C-T. GRCh37 (hg19) VCF-style: chr1-154247690-C-T.
Other names: c.473C>T, p.Ser158Phe (NM_001018837.2); short protein forms S158F, S206F.
Identifiers: ClinVar variation 4527858 (VCV004527858.1).
Genomic context (GRCh38, chr1:154,275,214, plus strand): 5'-ATCTTGATTCCCAGGTTTCCCAGGAGGGTCTTGGCCCGGTTCTACAGCCCCAGCCCAAAT[C>T]CTATTTCAAGAGCATCTCTGTGACCAAGATCACTAAACCAGATGGGGTGAGTTGAAAGAA-3'
Protein context (NP_006109.2, residues 196-216): LGPVLQPQPK[Ser206Phe]YFKSISVTKI

ClinVar aggregate classification (germline): Uncertain significance (1 of 4 stars; one submission).

Submission:

GeneDx
Classification: Uncertain significance. Last evaluated: 2025-04-28. Review status: criteria provided, single submitter. Criteria: GeneDx Variant Classification Process June 2021. Collection method: clinical testing. Allele origin: germline. Affected: yes.
Comment: Not observed at significant frequency in large population cohorts (gnomAD); In silico analysis supports that this missense variant has a deleterious effect on protein structure/function; Has not been previously published as pathogenic or benign to our knowledge